The following is an entry in ClinVar:

NM_000553.6(WRN):c.1066A>G (p.Lys356Glu)

Gene: WRN (WRN RecQ like helicase; plus strand). Cytogenetic location: 8p12.
Variant type: single nucleotide variant.
Coding change: c.1066A>G on transcript NM_000553.6 (MANE Select); coding-DNA position 1066, A replaced by G.
Protein change: p.Lys356Glu; replaces lysine 356 with glutamic acid.
Molecular consequence: missense variant.
Genome position (GRCh38, 1-based): chr8:31,081,093, A>G. VCF-style: chr8-31081093-A-G. GRCh37 (hg19) VCF-style: chr8-30938609-A-G.
Other names: short protein forms K356E.
Identifiers: ClinVar variation 1482246 (VCV001482246.6), dbSNP rs2130119453, ClinGen allele CA370920532.
Genomic context (GRCh38, chr8:31,081,093, plus strand): 5'-CATGAAGTTTTAATTCACGTTGAAGATGAAACATGGGACCCAACACTTGATCATTTAGCT[A>G]AACATGATGGAGAAGATGTACTTGGAAATAAAGTGGAACGAAAAGAAGATGGATTTGAAG-3'
Protein context (NP_000544.2, residues 346-366): TWDPTLDHLA[Lys356Glu]HDGEDVLGNK

ClinVar aggregate classification (germline): Uncertain significance (1 of 4 stars; one submission).

Conditions:
Werner syndrome (WRN). Identifiers: Orphanet 902, MedGen C0043119, MONDO:0010196, OMIM 277700.

Allele frequency attached by ClinVar (database versions not stated): gnomAD exomes below 0.00001.
gnomAD v4.1: 1 of 1,614,106 alleles (0.000062%); highest among the groups gnomAD compares: Non-Finnish European, 0.000085%; no homozygotes.

Submission:

Labcorp Genetics (formerly Invitae), Labcorp
Classification: Uncertain significance for Werner syndrome. Last evaluated: 2021-05-12. Review status: criteria provided, single submitter. Criteria: Invitae Variant Classification Sherloc (09022015). Collection method: clinical testing. Allele origin: germline.
Comment: This variant is not present in population databases (ExAC no frequency). This sequence change replaces lysine with glutamic acid at codon 356 of the WRN protein (p.Lys356Glu). The lysine residue is weakly conserved and there is a small physicochemical difference between lysine and glutamic acid. In summary, the available evidence is currently insufficient to determine the role of this variant in disease. Therefore, it has been classified as a Variant of Uncertain Significance. Algorithms developed to predict the effect of missense changes on protein structure and function output the following: SIFT: "Not Available"; PolyPhen-2: "Benign"; Align-GVGD: "Not Available". The glutamic acid amino acid residue is found in multiple mammalian species, suggesting that this missense change does not adversely affect protein function. These predictions have not been confirmed by published functional studies and their clinical significance is uncertain. This variant has not been reported in the literature in individuals with WRN-related conditions.